The following is an entry in ClinVar:

ClinVar aggregate classification (germline): Likely benign. Review status: criteria provided, multiple submitters, no conflicts (2 of 4 stars). 3 submissions from 3 submitters: Likely benign (2). 1 of the submissions does not count toward it. Last evaluated 2025-05-22.

Conditions:
PTPN23-related disorder. Also called: PTPN23-related condition.

Allele frequency attached by ClinVar (database versions not stated): gnomAD 0.00004 and 0.00005; TOPMed 0.00005; 1000 Genomes Project 0.00040; 1000 Genomes Project 30x 0.00047.
gnomAD v4.1: 34 of 1,612,662 alleles (0.0021%); highest among the groups gnomAD compares: Admixed American, 0.053%; no homozygotes.

Submissions (3):

Labcorp Genetics (formerly Invitae), Labcorp
Classification: Likely benign. Last evaluated: 2025-05-22. Review status: criteria provided, single submitter. Criteria: Invitae Variant Classification Sherloc (09022015). Collection method: clinical testing. Allele origin: germline.

Blueprint Genetics
Classification: Likely benign. Last evaluated: 2020-11-12. Review status: criteria provided, single submitter. Criteria: ACMG Guidelines, 2015. Collection method: clinical testing. Allele origin: germline.

PreventionGenetics, part of Exact Sciences
Classification: Likely benign for PTPN23-related condition. Last evaluated: 2019-08-28. Review status: no assertion criteria provided. Collection method: clinical testing. Allele origin: germline. Not counted in ClinVar's aggregate classification.
Comment: This variant is classified as likely benign based on ACMG/AMP sequence variant interpretation guidelines (Richards et al. 2015 PMID: 25741868, with internal and published modifications).

NM_015466.4(PTPN23):c.142C>T (p.Leu48=)

Gene: PTPN23 (protein tyrosine phosphatase non-receptor type 23; plus strand). Cytogenetic location: 3p21.31.
Variant type: single nucleotide variant.
Coding change: c.142C>T on transcript NM_015466.4 (MANE Select); coding-DNA position 142, C replaced by T.
Protein change: p.Leu48=; no amino-acid change (leucine 48 retained).
Molecular consequence: synonymous variant. On other transcripts: 5 prime UTR variant (1).
Genome position (GRCh38, 1-based): chr3:47,396,200, C>T. VCF-style: chr3-47396200-C-T. GRCh37 (hg19) VCF-style: chr3-47437690-C-T.
Other names: c.142C>T (NM_015466.3); c.-109C>T (NM_001304482.2).
Identifiers: ClinVar variation 1637140 (VCV001637140.11), dbSNP rs201230194, ClinGen allele CA2365209.